The following is an entry in ClinVar:

ClinVar aggregate classification (germline): Uncertain significance (1 of 4 stars; one submission).

Submission:

Labcorp Genetics (formerly Invitae), Labcorp
Classification: Uncertain significance. Last evaluated: 2022-08-31. Review status: criteria provided, single submitter. Criteria: Invitae Variant Classification Sherloc (09022015). Collection method: clinical testing. Allele origin: germline.
Comment: In summary, the available evidence is currently insufficient to determine the role of this variant in disease. Therefore, it has been classified as a Variant of Uncertain Significance. Variants that disrupt the consensus splice site are a relatively common cause of aberrant splicing (PMID: 17576681, 9536098). Algorithms developed to predict the effect of sequence changes on RNA splicing suggest that this variant may create or strengthen a splice site. This variant has not been reported in the literature in individuals affected with POLE-related conditions. This variant is not present in population databases (gnomAD no frequency). This sequence change falls in intron 28 of the POLE gene. It does not directly change the encoded amino acid sequence of the POLE protein. It affects a nucleotide within the consensus splice site.

Literature cited by the submitters: PubMed 17576681; PubMed 9536098.

NM_006231.4(POLE):c.3459+2dup

Gene: POLE (DNA polymerase epsilon, catalytic subunit; minus strand). Cytogenetic location: 12q24.33.
Variant type: Duplication.
Coding change: c.3459+2dup on transcript NM_006231.4 (MANE Select); the canonical splice donor site of the intron after coding-DNA position 3459, one base duplicated (T; older notation c.3459+2dupT).
Molecular consequence: splice donor variant.
Genome position (GRCh38, 1-based): chr12:132,657,347, A duplicated on the plus strand (T on the coding strand, the reverse complement: POLE is on the minus strand). VCF-style (leftmost placement, unchanged base first): chr12-132657346-T-TA. GRCh37 (hg19) VCF-style: chr12-133233932-T-TA.
Identifiers: ClinVar variation 2028175 (VCV002028175.4), dbSNP rs2542001571, ClinGen allele CA2580086013.